The following is an entry in ClinVar:

NM_000369.5(TSHR):c.1864del (p.Ile622fs)

Genes: TSHR (thyroid stimulating hormone receptor; plus strand), TSHR-AS1 (TSHR antisense RNA 1; minus strand). Cytogenetic location: 14q31.1.
Variant type: Deletion.
Coding change: c.1864del on transcript NM_000369.5 (MANE Select); coding-DNA position 1864, one base deleted (A; older notation c.1864delA).
Protein change: p.Ile622fs; shifts the reading frame from isoleucine 622.
Molecular consequence: frameshift variant.
Genome position (GRCh38, 1-based): chr14:81,143,922, A deleted; the last of 4 consecutive A bases (chr14:81,143,919-81,143,922); deleting any one gives the same sequence. VCF-style (leftmost placement, unchanged base first): chr14-81143918-CA-C. GRCh37 (hg19) VCF-style: chr14-81610262-CA-C.
Other names: short protein forms I622fs.
Identifiers: ClinVar variation 2982319 (VCV002982319.3), dbSNP rs1299460488, ClinGen allele CA709007846.

ClinVar aggregate classification (germline): Pathogenic (1 of 4 stars; one submission).

Submission:

Labcorp Genetics (formerly Invitae), Labcorp
Classification: Pathogenic. Last evaluated: 2023-06-13. Review status: criteria provided, single submitter. Criteria: Invitae Variant Classification Sherloc (09022015). Collection method: clinical testing. Allele origin: germline.
Comment: For these reasons, this variant has been classified as Pathogenic. This variant disrupts a region of the TSHR protein in which other variant(s) (p.Thr655Cysfs*2) have been determined to be pathogenic (PMID: 9589691, 12050212, 22049173). This suggests that this is a clinically significant region of the protein, and that variants that disrupt it are likely to be disease-causing. This variant has not been reported in the literature in individuals affected with TSHR-related conditions. This variant is not present in population databases (gnomAD no frequency). This sequence change creates a premature translational stop signal (p.Ile622Leufs*8) in the TSHR gene. While this is not anticipated to result in nonsense mediated decay, it is expected to disrupt the last 143 amino acid(s) of the TSHR protein.

Literature cited by the submitters: PubMed 9589691; PubMed 12050212; PubMed 22049173.